The following is an entry in ClinVar:

ClinVar aggregate classification (germline): Uncertain significance (1 of 4 stars; one submission).

Conditions:
Developmental and epileptic encephalopathy, 42 (DEE42A). Also called: Epileptic encephalopathy, early infantile, 42; DEVELOPMENTAL AND EPILEPTIC ENCEPHALOPATHY 42A; EPILEPTIC ENCEPHALOPATHY, EARLY INFANTILE, 42A. Identifiers: MedGen C4310716, MONDO:0014917, OMIM 617106.
Episodic ataxia type 2 (EA2). Also called: CEREBELLAR ATAXIA, PAROXYSMAL, ACETAZOLAMIDE-RESPONSIVE; CEREBELLOPATHY, HEREDITARY PAROXYSMAL; EPISODIC ATAXIA, NYSTAGMUS-ASSOCIATED; ATAXIA, EPISODIC, WITH NYSTAGMUS; ATAXIA, FAMILIAL PAROXYSMAL; ACETAZOLAMIDE-RESPONSIVE HEREDITARY PAROXYSMAL CEREBELLAR ATAXIA. Identifiers: Orphanet 97, MedGen C1720416, MONDO:0007163, OMIM 108500.

Submission:

Labcorp Genetics (formerly Invitae), Labcorp
Classification: Uncertain significance for Developmental and epileptic encephalopathy, 42; Episodic ataxia type 2. Last evaluated: 2018-12-12. Review status: criteria provided, single submitter. Criteria: Invitae Variant Classification Sherloc (09022015). Collection method: clinical testing. Allele origin: germline.
Comment: In summary, the available evidence is currently insufficient to determine the role of this variant in disease. Therefore, it has been classified as a Variant of Uncertain Significance. Algorithms developed to predict the effect of missense changes on protein structure and function are either unavailable or do not agree on the potential impact of this missense change (SIFT: "Tolerated"; PolyPhen-2: "Possibly Damaging"; Align-GVGD: "Class C0"). This variant has not been reported in the literature in individuals with CACNA1A-related conditions. This variant is not present in population databases (ExAC no frequency). This sequence change replaces serine with threonine at codon 2059 of the CACNA1A protein (p.Ser2059Thr). The serine residue is moderately conserved and there is a small physicochemical difference between serine and threonine.

NM_001127222.2(CACNA1A):c.6173G>C (p.Ser2058Thr)

Gene: CACNA1A (calcium voltage-gated channel subunit alpha1 A; minus strand). Cytogenetic location: 19p13.13.
Variant type: single nucleotide variant.
Coding change: c.6173G>C on transcript NM_001127222.2 (MANE Select); coding-DNA position 6173, G replaced by C.
Protein change: p.Ser2058Thr; replaces serine 2058 with threonine.
Molecular consequence: missense variant.
Genome position (GRCh38, 1-based): chr19:13,212,400, C>G on the plus strand (G>C on the coding strand, the complement: CACNA1A is on the minus strand). VCF-style: chr19-13212400-C-G. GRCh37 (hg19) VCF-style: chr19-13323214-C-G.
Other names: c.6191G>C, p.Ser2064Thr (NM_000068.4, NM_023035.3); c.6176G>C, p.Ser2059Thr (NM_001127221.2); c.6182G>C, p.Ser2061Thr (NM_001174080.2); short protein forms S2059T, S2064T, S2058T, S2061T.
Identifiers: ClinVar variation 645018 (VCV000645018.9), dbSNP rs1600089299, ClinGen allele CA404332679.